The following is an entry in ClinVar:

NM_144498.4(OSBPL2):c.833A>G (p.Lys278Arg)

Gene: OSBPL2 (oxysterol binding protein like 2; plus strand). Cytogenetic location: 20q13.33.
Variant type: single nucleotide variant.
Coding change: c.833A>G on transcript NM_144498.4 (MANE Select); coding-DNA position 833, A replaced by G.
Protein change: p.Lys278Arg; replaces lysine 278 with arginine.
Molecular consequence: missense variant.
Genome position (GRCh38, 1-based): chr20:62,281,840, A>G. VCF-style: chr20-62281840-A-G. GRCh37 (hg19) VCF-style: chr20-60856896-A-G.
Other names: c.557A>G, p.Lys186Arg (NM_001278649.3, NM_001363878.2); c.797A>G, p.Lys266Arg (NM_014835.5); c.833A>G (NM_144498.1, NM_144498.2); short protein forms K278R, K266R, K186R.
Identifiers: ClinVar variation 499502 (VCV000499502.15), dbSNP rs199648498, ClinGen allele CA9938575.
Genomic context (GRCh38, chr20:62,281,840, plus strand): 5'-TTTCTCACAGAACTGGACATAAGTGTGTGCTTCACTTTAAACCGTGTGGATTATTTGGAA[A>G]AGAACTTCACAAGGTGGAAGGACACATTCAAGACAAAAAGTAGGTCCTTGCCAAGTGTTC-3'
Protein context (NP_653081.1, residues 268-288): LHFKPCGLFG[Lys278Arg]ELHKVEGHIQ

ClinVar aggregate classification (germline): Conflicting classifications of pathogenicity. Review status: criteria provided, conflicting classifications (1 of 4 stars). 4 submissions from 4 submitters: Uncertain significance (2); Likely benign (2). Last evaluated 2025-07-13.

Conditions:
OSBPL2-related disorder. Also called: OSBPL2-related condition.
Inborn genetic diseases. Identifiers: MedGen C0950123, MeSH D030342.

Allele frequency attached by ClinVar (database versions not stated): ESP Exome Variant Server 0.00008; TOPMed 0.00008; gnomAD 0.00018 and 0.00019; gnomAD exomes 0.00019 and 0.00031; ExAC 0.00037.
gnomAD v4.1: 302 of 1,612,752 alleles (0.019%); highest among the groups gnomAD compares: Non-Finnish European, 0.017%; no homozygotes.

Submissions (4):

Labcorp Genetics (formerly Invitae), Labcorp
Classification: Likely benign. Last evaluated: 2025-07-13. Review status: criteria provided, single submitter. Criteria: Invitae Variant Classification Sherloc (09022015). Collection method: clinical testing. Allele origin: germline.

PreventionGenetics, part of Exact Sciences
Classification: Likely benign for OSBPL2-related condition. Last evaluated: 2025-03-05. Review status: criteria provided, single submitter. Criteria: ACMG Guidelines, 2015. Collection method: clinical testing. Allele origin: germline.
Comment: This variant is classified as likely benign based on ACMG/AMP sequence variant interpretation guidelines (Richards et al. 2015 PMID: 25741868, with internal and published modifications).

Ambry Genetics
Classification: Uncertain significance for Inborn genetic diseases. Last evaluated: 2023-04-18. Review status: criteria provided, single submitter. Criteria: Ambry Variant Classification Scheme 2023. Collection method: clinical testing. Allele origin: germline.

Eurofins Ntd Llc (ga)
Classification: Uncertain significance. Last evaluated: 2017-01-25. Review status: criteria provided, single submitter. Criteria: EGL Classification Definitions 2015. Collection method: clinical testing. Allele origin: germline. Observed: 1 variant allele, 1 heterozygote.